The following is an entry in ClinVar:

NM_017534.6(MYH2):c.2090A>G (p.His697Arg)

Genes: MYH2 (myosin heavy chain 2; minus strand), MYHAS (myosin heavy chain gene cluster antisense RNA; plus strand). Cytogenetic location: 17p13.1.
Variant type: single nucleotide variant.
Coding change: c.2090A>G on transcript NM_017534.6 (MANE Select); coding-DNA position 2090, A replaced by G.
Protein change: p.His697Arg; replaces histidine 697 with arginine.
Molecular consequence: missense variant.
Genome position (GRCh38, 1-based): chr17:10,535,163, T>C on the plus strand (A>G on the coding strand, the complement: MYH2 is on the minus strand). VCF-style: chr17-10535163-T-C. GRCh37 (hg19) VCF-style: chr17-10438480-T-C.
Other names: c.2090A>G, p.His697Arg (NM_001100112.2); short protein forms H697R.
Identifiers: ClinVar variation 1508495 (VCV001508495.6), dbSNP rs753195074, ClinGen allele CA8391213.
Genomic context (GRCh38, chr17:10,535,163, plus strand): 5'-CTTGGAAATCCTTTCCTACAGATGCGGATGCCTTCCAGCACACCGTTACACCTCAGCTGG[T>C]GGAGGACAAGCTCATGCTCCATGGCACCTAAAAATGCATATTTATTTCACTGCAGAGCTG-3'
Protein context (NP_060004.3, residues 687-707): PGAMEHELVL[His697Arg]QLRCNGVLEG

ClinVar aggregate classification (germline): Uncertain significance (1 of 4 stars; one submission).

Conditions:
Myopathy, proximal, and ophthalmoplegia (CMYO6). Also called: MYOPATHY WITH CONGENITAL JOINT CONTRACTURES, OPHTHALMOPLEGIA, AND RIMMED VACUOLES; INCLUSION BODY MYOPATHY 3, AUTOSOMAL DOMINANT; CONGENITAL MYOPATHY 6 WITH OPHTHALMOPLEGIA. Identifiers: Orphanet 363677, Orphanet 79091, MedGen C1854106, MONDO:0011577, OMIM 605637.

Allele frequency attached by ClinVar (database versions not stated): TOPMed 0.00002; ExAC 0.00003; gnomAD exomes 0.00003 and 0.00007; gnomAD 0.00004.
gnomAD v4.1: 104 of 1,614,036 alleles (0.0064%); highest among the groups gnomAD compares: Non-Finnish European, 0.0083%; no homozygotes.

Submission:

Labcorp Genetics (formerly Invitae), Labcorp
Classification: Uncertain significance for Myopathy, proximal, and ophthalmoplegia. Last evaluated: 2022-06-27. Review status: criteria provided, single submitter. Criteria: Invitae Variant Classification Sherloc (09022015). Collection method: clinical testing. Allele origin: germline.
Comment: This sequence change replaces histidine, which is basic and polar, with arginine, which is basic and polar, at codon 697 of the MYH2 protein (p.His697Arg). This variant is present in population databases (rs753195074, gnomAD 0.005%). This variant has not been reported in the literature in individuals affected with MYH2-related conditions. Algorithms developed to predict the effect of missense changes on protein structure and function are either unavailable or do not agree on the potential impact of this missense change (SIFT: "Deleterious"; PolyPhen-2: "Benign"; Align-GVGD: "Class C25"). In summary, the available evidence is currently insufficient to determine the role of this variant in disease. Therefore, it has been classified as a Variant of Uncertain Significance.